The following is an entry in ClinVar:

NM_052947.4(ALPK2):c.5461T>C (p.Trp1821Arg)

Gene: ALPK2 (alpha kinase 2; minus strand). Cytogenetic location: 18q21.31.
Variant type: single nucleotide variant.
Coding change: c.5461T>C on transcript NM_052947.4 (MANE Select); coding-DNA position 5461, T replaced by C.
Protein change: p.Trp1821Arg; replaces tryptophan 1821 with arginine.
Molecular consequence: missense variant.
Genome position (GRCh38, 1-based): chr18:58,529,131, A>G on the plus strand (T>C on the coding strand, the complement: ALPK2 is on the minus strand). VCF-style: chr18-58529131-A-G. GRCh37 (hg19) VCF-style: chr18-56196363-A-G.
Other names: short protein forms W1821R.
Identifiers: ClinVar variation 1747677 (VCV001747677.3), dbSNP rs1041016625, ClinGen allele CA300922013.
Genomic context (GRCh38, chr18:58,529,131, plus strand): 5'-ACCAGGGAAAAACATCGCACCTTCTCTGCACTTGGGCTATGGACTTTGAATCTTTTGTCC[A>G]GCAGATAGTAGAATCTTCATGAATTTCTGCAAATTGGCAGCTTAATTTTACATTTCCAGA-3'
Protein context (NP_443179.3, residues 1811-1831): AEIHEDSTIC[Trp1821Arg]TKDSKSIAQV

ClinVar aggregate classification (germline): Uncertain significance (1 of 4 stars; one submission).

Allele frequency attached by ClinVar (database versions not stated): gnomAD exomes below 0.00001.
gnomAD v4.1: 6 of 1,614,176 alleles (0.00037%); highest among the groups gnomAD compares: Non-Finnish European, 0.00051%; no homozygotes.

Submission:

Ambry Genetics
Classification: Uncertain significance. Last evaluated: 2022-04-19. Review status: criteria provided, single submitter. Criteria: Ambry Variant Classification Scheme 2023. Collection method: clinical testing. Allele origin: germline.
Comment: The p.W1821R variant (also known as c.5461T>C), located in coding exon 5 of the ALPK2 gene, results from a T to C substitution at nucleotide position 5461. The tryptophan at codon 1821 is replaced by arginine, an amino acid with dissimilar properties. This amino acid position is conserved. In addition, this alteration is predicted to be deleterious by in silico analysis. Since supporting evidence is limited at this time, the clinical significance of this alteration remains unclear.